The following is an entry in ClinVar:

NM_001271938.2(MEGF8):c.4856C>T (p.Ala1619Val)

Gene: MEGF8 (multiple EGF like domains 8; plus strand). Cytogenetic location: 19q13.2.
Variant type: single nucleotide variant.
Coding change: c.4856C>T on transcript NM_001271938.2 (MANE Select); coding-DNA position 4856, C replaced by T.
Protein change: p.Ala1619Val; replaces alanine 1619 with valine.
Molecular consequence: missense variant.
Genome position (GRCh38, 1-based): chr19:42,357,429, C>T. VCF-style: chr19-42357429-C-T. GRCh37 (hg19) VCF-style: chr19-42861581-C-T.
Other names: c.4655C>T, p.Ala1552Val (NM_001410.3); short protein forms A1552V, A1619V.
Identifiers: ClinVar variation 565908 (VCV000565908.8), dbSNP rs913420234, ClinGen allele CA308640681.

ClinVar aggregate classification (germline): Uncertain significance (1 of 4 stars; one submission).

Conditions:
MEGF8-related Carpenter syndrome. Also called: Carpenter syndrome 2. Identifiers: Orphanet 65759, MedGen C3554247, MONDO:0013998, OMIM 614976.

Allele frequency attached by ClinVar (database versions not stated): gnomAD 0.00004 and 0.00002; gnomAD exomes below 0.00001; TOPMed 0.00002.
gnomAD v4.1: 6 of 1,613,512 alleles (0.00037%); highest among the groups gnomAD compares: African/African-American, 0.0053%; no homozygotes.

Submission:

Labcorp Genetics (formerly Invitae), Labcorp
Classification: Uncertain significance for MEGF8-related Carpenter syndrome. Last evaluated: 2018-04-24. Review status: criteria provided, single submitter. Criteria: Invitae Variant Classification Sherloc (09022015). Collection method: clinical testing. Allele origin: germline.
Comment: This variant has not been reported in the literature in individuals with MEGF8-related disease. This variant is not present in population databases (ExAC no frequency). This sequence change replaces alanine with valine at codon 1552 of the MEGF8 protein (p.Ala1552Val). The alanine residue is moderately conserved and there is a small physicochemical difference between alanine and valine. Algorithms developed to predict the effect of missense changes on protein structure and function (SIFT, PolyPhen-2, Align-GVGD) all suggest that this variant is likely to be tolerated, but these predictions have not been confirmed by published functional studies and their clinical significance is uncertain. In summary, the available evidence is currently insufficient to determine the role of this variant in disease. Therefore, it has been classified as a Variant of Uncertain Significance.